The following is an entry in ClinVar:

NM_001197104.2(KMT2A):c.3835C>G (p.Pro1279Ala)

Gene: KMT2A (lysine methyltransferase 2A; plus strand). Cytogenetic location: 11q23.3.
Variant type: single nucleotide variant.
Coding change: c.3835C>G on transcript NM_001197104.2 (MANE Select); coding-DNA position 3835, C replaced by G.
Protein change: p.Pro1279Ala; replaces proline 1279 with alanine.
Molecular consequence: missense variant.
Genome position (GRCh38, 1-based): chr11:118,481,915, C>G. VCF-style: chr11-118481915-C-G. GRCh37 (hg19) VCF-style: chr11-118352630-C-G.
Other names: c.3934C>G, p.Pro1312Ala (NM_001412597.1); c.3835C>G, p.Pro1279Ala (NM_005933.4); short protein forms P1312A, P1279A.
Identifiers: ClinVar variation 4988169 (VCV004988169.1).

ClinVar aggregate classification (germline): Uncertain significance (1 of 4 stars; one submission).

Conditions:
KMT2A-related disorder. Also called: KMT2A-related condition.

Submission:

PreventionGenetics, part of Exact Sciences
Classification: Uncertain significance for KMT2A-related condition. Last evaluated: 2024-11-11. Review status: criteria provided, single submitter. Criteria: ACMG Guidelines, 2015. Collection method: clinical testing. Allele origin: germline.
Comment: The KMT2A c.3835C>G variant is predicted to result in the amino acid substitution p.Pro1279Ala. To our knowledge, this variant has not been reported in the literature or in a large population database (gnomAD), indicating this variant is rare. At this time, the clinical significance of this variant is uncertain due to the absence of conclusive functional and genetic evidence.